The following is an entry in ClinVar:

NM_000138.5(FBN1):c.7508C>T (p.Thr2503Ile)

Gene: FBN1 (fibrillin 1; minus strand). Cytogenetic location: 15q21.1.
Variant type: single nucleotide variant.
Coding change: c.7508C>T on transcript NM_000138.5 (MANE Select); coding-DNA position 7508, C replaced by T.
Protein change: p.Thr2503Ile; replaces threonine 2503 with isoleucine.
Molecular consequence: missense variant.
Genome position (GRCh38, 1-based): chr15:48,422,014, G>A on the plus strand (C>T on the coding strand, the complement: FBN1 is on the minus strand). VCF-style: chr15-48422014-G-A. GRCh37 (hg19) VCF-style: chr15-48714211-G-A.
Other names: short protein forms T2503I.
Identifiers: ClinVar variation 1171975 (VCV001171975.6), dbSNP rs749654334, ClinGen allele CA058716.

ClinVar aggregate classification (germline): Uncertain significance. Review status: criteria provided, multiple submitters, no conflicts (2 of 4 stars). 2 submissions from 2 submitters: Uncertain significance (2). Last evaluated 2025-07-15.

Conditions:
Familial thoracic aortic aneurysm and aortic dissection (TAAD). Also called: Thoracic aortic aneurysms and dissections. Identifiers: Orphanet 91387, MedGen C4707243, MONDO:0019625.
Marfan syndrome (MFS). Also called: Marfan syndrome type 1; Marfan's syndrome; Marfan syndrome, classic; MARFAN SYNDROME, TYPE I; FBN1-Related Marfan Syndrome. Identifiers: Orphanet 284963, Orphanet 558, MedGen C0024796, MONDO:0007947, OMIM 154700.

Allele frequency attached by ClinVar (database versions not stated): gnomAD exomes below 0.00001; ExAC 0.00001.
gnomAD v4.1: 2 of 1,614,128 alleles (0.00012%); highest among the groups gnomAD compares: Non-Finnish European, 0.00017%; no homozygotes.

Submissions (2):

Color Diagnostics, LLC DBA Color Health
Classification: Uncertain significance for Familial thoracic aortic aneurysm and aortic dissection. Last evaluated: 2025-07-15. Review status: criteria provided, single submitter. Criteria: ACMG Guidelines, 2015. Collection method: clinical testing. Allele origin: germline.
Comment: This missense variant replaces threonine with isoleucine at codon 2503 of the FBN1 protein. Computational prediction suggests that this variant may have a deleterious impact on protein structure and function). To our knowledge, functional studies have not been reported for this variant. This variant has not been reported in individuals affected with FBN1-related disorders in the literature. This variant has been identified in 1/251232 chromosomes in the general population by the Genome Aggregation Database (gnomAD). The available evidence is insufficient to determine the role of this variant in disease conclusively. Therefore, this variant is classified as a Variant of Uncertain Significance.

All of Us Research Program, National Institutes of Health
Classification: Uncertain significance for Marfan syndrome. Last evaluated: 2023-10-27. Review status: criteria provided, single submitter. Criteria: ACMG Guidelines, 2015. Collection method: clinical testing. Allele origin: germline. Inheritance: Autosomal dominant inheritance. Observed: 3 variant alleles, 3 heterozygotes.
Comment: This missense variant replaces threonine with isoleucine at codon 2503 of the FBN1 protein. Computational prediction suggests that this variant may have deleterious impact on protein structure and function (internally defined REVEL score threshold >= 0.7, PMID: 27666373). To our knowledge, functional studies have not been reported for this variant. This variant has not been reported in individuals affected with cardiovascular disorders in the literature. This variant has been identified in 1/251232 chromosomes in the general population by the Genome Aggregation Database (gnomAD). The available evidence is insufficient to determine the role of this variant in disease conclusively. Therefore, this variant is classified as a Variant of Uncertain Significance.

This study involves interpretation of variants in research participants for the purpose of population health screening. Participant phenotype was not available at the time of variant classification. Additional details can be found in publication PMID: 35346344, PMCID: PMC8962531